The following is an entry in ClinVar:

ClinVar aggregate classification (germline): Uncertain significance (1 of 4 stars; one submission).

Conditions:
Inborn genetic diseases. Identifiers: MedGen C0950123, MeSH D030342.

Allele frequency attached by ClinVar (database versions not stated): gnomAD exomes below 0.00001.
gnomAD v4.1: 1 of 1,609,730 alleles (0.000062%); highest among the groups gnomAD compares: Non-Finnish European, 0.000085%; no homozygotes.

Submission:

Ambry Genetics
Classification: Uncertain significance for Inborn genetic diseases. Last evaluated: 2020-12-18. Review status: criteria provided, single submitter. Criteria: Ambry Variant Classification Scheme 2023. Collection method: clinical testing. Allele origin: germline.
Comment: The p.V40A variant (also known as c.119T>C), located in coding exon 3 of the GNB4 gene, results from a T to C substitution at nucleotide position 119. The valine at codon 40 is replaced by alanine, an amino acid with similar properties. This amino acid position is well conserved in available vertebrate species. In addition, this alteration is predicted to be tolerated by in silico analysis. Since supporting evidence is limited at this time, the clinical significance of this alteration remains unclear.

NM_021629.4(GNB4):c.119T>C (p.Val40Ala)

Gene: GNB4 (G protein subunit beta 4; minus strand). Cytogenetic location: 3q26.33.
Variant type: single nucleotide variant.
Coding change: c.119T>C on transcript NM_021629.4 (MANE Select); coding-DNA position 119, T replaced by C.
Protein change: p.Val40Ala; replaces valine 40 with alanine.
Molecular consequence: missense variant.
Genome position (GRCh38, 1-based): chr3:179,419,483, A>G on the plus strand (T>C on the coding strand, the complement: GNB4 is on the minus strand). VCF-style: chr3-179419483-A-G. GRCh37 (hg19) VCF-style: chr3-179137271-A-G.
Other names: short protein forms V40A.
Identifiers: ClinVar variation 1746957 (VCV001746957.2), dbSNP rs2473915842, ClinGen allele CA355471148.